The following is an entry in ClinVar:

ClinVar aggregate classification (germline): Conflicting classifications of pathogenicity. Review status: criteria provided, conflicting classifications (1 of 4 stars). 2 submissions from 2 submitters: Uncertain significance (1); Likely benign (1). Last evaluated 2024-10-18.

Allele frequency attached by ClinVar (database versions not stated): gnomAD exomes below 0.00001; ExAC 0.00001; TOPMed 0.00001; gnomAD 0.00003.

Submissions (2):

GeneDx
Classification: Uncertain significance. Last evaluated: 2024-10-18. Review status: criteria provided, single submitter. Criteria: GeneDx Variant Classification Process June 2021. Collection method: clinical testing. Allele origin: germline. Affected: yes.
Comment: Has not been previously published as pathogenic or benign to our knowledge; In silico analysis is inconclusive as to whether the variant alters gene splicing. In the absence of RNA/functional studies, the actual effect of this sequence change is unknown.

Labcorp Genetics (formerly Invitae), Labcorp
Classification: Likely benign. Last evaluated: 2024-03-10. Review status: criteria provided, single submitter. Criteria: Invitae Variant Classification Sherloc (09022015). Collection method: clinical testing. Allele origin: germline.

NM_133259.4(LRPPRC):c.1370-4_1370-3dup

Gene: LRPPRC (leucine rich pentatricopeptide repeat containing; minus strand). Cytogenetic location: 2p21.
Variant type: Duplication.
Coding change: c.1370-4_1370-3dup on transcript NM_133259.4 (MANE Select); 4 bases into the intron before coding-DNA position 1370 through 3 bases into the intron before coding-DNA position 1370, 2 bases duplicated (GT; older notation c.1370-4_1370-3dupGT).
Molecular consequence: intron variant.
Genome position (GRCh38, 1-based): chr2:43,963,709-43,963,710, AC duplicated on the plus strand (GT on the coding strand, the reverse complement: LRPPRC is on the minus strand). VCF-style (leftmost placement, unchanged base first): chr2-43963708-T-TAC. GRCh37 (hg19) VCF-style: chr2-44190847-T-TAC.
Identifiers: ClinVar variation 2141912 (VCV002141912.5), dbSNP rs754678956, ClinGen allele CA1638988.